The following is an entry in ClinVar:

NM_001384732.1(CPLANE1):c.8632+4T>A

Gene: CPLANE1 (ciliogenesis and planar polarity effector complex subunit 1; minus strand). Cytogenetic location: 5p13.2.
Variant type: single nucleotide variant.
Coding change: c.8632+4T>A on transcript NM_001384732.1 (MANE Select); 4 bases into the intron after coding-DNA position 8632, T replaced by A.
Molecular consequence: intron variant.
Genome position (GRCh38, 1-based): chr5:37,142,306, A>T on the plus strand (T>A on the coding strand, the complement: CPLANE1 is on the minus strand). VCF-style: chr5-37142306-A-T. GRCh37 (hg19) VCF-style: chr5-37142408-A-T.
Other names: c.8470+4T>A (NM_023073.4).
Identifiers: ClinVar variation 4535527 (VCV004535527.1).
Genomic context (GRCh38, chr5:37,142,306, plus strand): 5'-CATGTTCAGTAACATTATAATGGAGAATAAGAGTATGTGTAAATGAAAAAGTAAAGAACA[A>T]TACCAGGAGAAGTAGTATTCTGATCACTGGAACTGGAAAGGCTGACAGCTGAATCGGCAG-3'

ClinVar aggregate classification (germline): Uncertain significance (1 of 4 stars; one submission).

gnomAD v4.1: 16 of 1,555,142 alleles (0.001%); highest among the groups gnomAD compares: Middle Eastern, 0.017%; no homozygotes.

Submission:

Women's Health and Genetics/Laboratory Corporation of America, LabCorp
Classification: Uncertain significance. Last evaluated: 2025-09-15. Review status: criteria provided, single submitter. Criteria: LabCorp Variant Classification Summary - May 2015. Collection method: clinical testing. Allele origin: germline.
Comment: Variant summary: CPLANE1 c.8470+4T>A alters a conserved nucleotide located close to a canonical splice site and therefore could affect mRNA splicing, leading to a significantly altered protein sequence. Several computational tools predict a significant impact on normal splicing: One predict the variant strengthens a 5' donor site. Two predict the variant creates a 5' donor site. However, these predictions have yet to be confirmed by functional studies. The variant allele was found at a frequency of 1e-05 in 1555142 control chromosomes. This frequency is not significantly higher than estimated for disease-causing variants in CPLANE1, allowing no conclusion about variant significance. To our knowledge, no occurrence of c.8470+4T>A in individuals affected with CPLANE1-related conditions and no experimental evidence demonstrating its impact on protein function have been reported. No submitters have cited clinical-significance assessments for this variant to ClinVar. Based on the evidence outlined above, the variant was classified as uncertain significance.